The following is an entry in ClinVar:

ClinVar aggregate classification (germline): Uncertain significance. Review status: criteria provided, multiple submitters, no conflicts (2 of 4 stars). 2 submissions from 2 submitters: Uncertain significance (2). Last evaluated 2026-08-24.

Conditions:
BRD4-related disorder. Also called: BRD4-related condition.

Allele frequency attached by ClinVar (database versions not stated): gnomAD exomes 0.00001.
gnomAD v4.1: 3 of 1,609,702 alleles (0.00019%); highest among the groups gnomAD compares: Admixed American, 0.005%; no homozygotes.

Submissions (2):

PreventionGenetics, part of Exact Sciences
Classification: Uncertain significance for BRD4-related condition. Last evaluated: 2026-08-24. Review status: criteria provided, single submitter. Criteria: ACMG Guidelines, 2015. Collection method: clinical testing. Allele origin: germline.
Comment: The BRD4 c.3173A>G variant is predicted to result in the amino acid substitution p.His1058Arg. To our knowledge, this variant has not been reported in the literature. This variant is reported in 0.0058% of alleles in individuals of Latino descent in gnomAD. At this time, the clinical significance of this variant is uncertain due to the absence of conclusive functional and genetic evidence.

Labcorp Genetics (formerly Invitae), Labcorp
Classification: Uncertain significance. Last evaluated: 2025-11-10. Review status: criteria provided, single submitter. Criteria: Invitae Variant Classification Sherloc (09022015). Collection method: clinical testing. Allele origin: germline.
Comment: This sequence change replaces histidine, which is basic and polar, with arginine, which is basic and polar, at codon 1058 of the BRD4 protein (p.His1058Arg). This variant is present in population databases (no rsID available, gnomAD 0.006%). This variant has not been reported in the literature in individuals affected with BRD4-related conditions. ClinVar contains an entry for this variant (Variation ID: 2905102). An algorithm developed to predict the effect of missense changes on protein structure and function (PolyPhen-2) suggests that this variant is likely to be tolerated. In summary, the available evidence is currently insufficient to determine the role of this variant in disease. Therefore, it has been classified as a Variant of Uncertain Significance.

NM_001379291.1(BRD4):c.3173A>G (p.His1058Arg)

Gene: BRD4 (bromodomain containing 4; minus strand). Cytogenetic location: 19p13.12.
Variant type: single nucleotide variant.
Coding change: c.3173A>G on transcript NM_001379291.1 (MANE Select); coding-DNA position 3173, A replaced by G.
Protein change: p.His1058Arg; replaces histidine 1058 with arginine.
Molecular consequence: missense variant.
Genome position (GRCh38, 1-based): chr19:15,240,019, T>C on the plus strand (A>G on the coding strand, the complement: BRD4 is on the minus strand). VCF-style: chr19-15240019-T-C. GRCh37 (hg19) VCF-style: chr19-15350830-T-C.
Other names: c.3173A>G, p.His1058Arg (NM_058243.3); c.3173A>G (NM_058243.2); short protein forms H1058R.
Identifiers: ClinVar variation 2905102 (VCV002905102.4), dbSNP rs1026979615, ClinGen allele CA305782977.
Genomic context (GRCh38, chr19:15,240,019, plus strand): 5'-CTCTGGAACTGTGACATCTGGGGGGAATGTATCATAAGCGGGGAGGGGGCTTCGCGGAGG[T>C]GACCTAGGAGAAGGGACAAGGAATGTGTCAAGGGGCTGGCTTAGAACTGCTGGCCCTGAG-3'
Protein context (NP_001366220.1, residues 1048-1068): HHKSDPYSTG[His1058Arg]LREAPSPLMI